The following is an entry in ClinVar:

NM_000252.3(MTM1):c.62G>A (p.Arg21Lys)

Gene: MTM1 (myotubularin 1; plus strand). Cytogenetic location: Xq28.
Variant type: single nucleotide variant.
Coding change: c.62G>A on transcript NM_000252.3 (MANE Select); coding-DNA position 62, G replaced by A.
Protein change: p.Arg21Lys; replaces arginine 21 with lysine.
Molecular consequence: missense variant.
Genome position (GRCh38, 1-based): chrX:150,592,676, G>A. VCF-style: chrX-150592676-G-A. GRCh37 (hg19) VCF-style: chrX-149761138-G-A.
Other names: c.62G>A, p.Arg21Lys (NM_001376906.1, NM_001376907.1, NM_001376908.1); short protein forms R21K.
Identifiers: ClinVar variation 1690394 (VCV001690394.5), dbSNP rs2148425592, ClinGen allele CA415248517.

ClinVar aggregate classification (germline): Uncertain significance. Review status: criteria provided, multiple submitters, no conflicts (2 of 4 stars). 2 submissions from 2 submitters: Uncertain significance (2). Last evaluated 2025-07-23.

Conditions:
Severe X-linked myotubular myopathy (CNMX). Also called: MYOTUBULAR MYOPATHY 1; Myotubular myopathy, X-linked; X-linked centronuclear myopathy. Identifiers: Orphanet 596, MedGen C0410203, MONDO:0010683, OMIM 310400.

gnomAD v4.1: 1 of 1,138,526 alleles (0.000088%); highest among the groups gnomAD compares: South Asian, 0.0018%; no homozygotes.

Submissions (2):

Labcorp Genetics (formerly Invitae), Labcorp
Classification: Uncertain significance for Severe X-linked myotubular myopathy. Last evaluated: 2025-07-23. Review status: criteria provided, single submitter. Criteria: Invitae Variant Classification Sherloc (09022015). Collection method: clinical testing. Allele origin: germline.
Comment: This sequence change replaces arginine, which is basic and polar, with lysine, which is basic and polar, at codon 21 of the MTM1 protein (p.Arg21Lys). This variant is not present in population databases (gnomAD no frequency). This variant has not been reported in the literature in individuals affected with MTM1-related conditions. ClinVar contains an entry for this variant (Variation ID: 1690394). Invitae Evidence Modeling of protein sequence and biophysical properties (such as structural, functional, and spatial information, amino acid conservation, physicochemical variation, residue mobility, and thermodynamic stability) indicates that this missense variant is not expected to disrupt MTM1 protein function with a negative predictive value of 95%. In summary, the available evidence is currently insufficient to determine the role of this variant in disease. Therefore, it has been classified as a Variant of Uncertain Significance.

Laboratorio de Genetica e Diagnostico Molecular, Hospital Israelita Albert Einstein
Classification: Uncertain significance. Last evaluated: 2021-06-17. Review status: criteria provided, single submitter. Criteria: ACMG Guidelines, 2015. Collection method: clinical testing. Allele origin: germline. Affected: yes.
Comment: ACMG classification criteria: PM2, BP4